The following is an entry in ClinVar:

NM_017882.3(CLN6):c.761del (p.Phe254fs)

Gene: CLN6 (CLN6 transmembrane ER protein; minus strand). Cytogenetic location: 15q23.
Variant type: Deletion.
Coding change: c.761del on transcript NM_017882.3 (MANE Select); coding-DNA position 761, one base deleted (T; older notation c.761delT).
Protein change: p.Phe254fs; shifts the reading frame from phenylalanine 254.
Molecular consequence: frameshift variant.
Genome position (GRCh38, 1-based): chr15:68,208,315, A deleted on the plus strand (T on the coding strand, the reverse complement: CLN6 is on the minus strand); the first of 2 consecutive A bases (chr15:68,208,315-68,208,316); deleting either gives the same sequence. VCF-style (leftmost placement, unchanged base first): chr15-68208314-GA-G. GRCh37 (hg19) VCF-style: chr15-68500652-GA-G.
Other names: c.857del, p.Phe286fs (NM_001411068.1); short protein forms F254fs, F286fs.
Identifiers: ClinVar variation 4815917 (VCV004815917.1).

ClinVar aggregate classification (germline): Likely pathogenic (1 of 4 stars; one submission).

Conditions:
Ceroid lipofuscinosis, neuronal, 6A. Also called: Neuronal ceroid lipofuscinosis, late infantile, variant; Neuronal ceroid lipofuscinosis, Gypsy/Indian early juvenile variant; Neuronal ceroid lipofuscinosis 6; CLN6-Related Neuronal Ceroid-Lipofuscinosis. Identifiers: Orphanet 168491, Orphanet 228363, MedGen C5551375, MONDO:0011144, OMIM 601780.

Submission:

Natera, Inc.
Classification: Likely pathogenic for Ceroid lipofuscinosis, neuronal, 6A. Last evaluated: 2024-02-21. Review status: criteria provided, single submitter. Criteria: Natera Variant Classification Schema (03/2026). Collection method: clinical testing. Allele origin: germline.
Comment: The c.761delT variant in CLN6 is a frameshift variant predicted to shift the reading frame beginning at codon 254 and leads to a stop codon 15 codons downstream. This variant is expected to result in nonsense mediated decay, truncation, or a dysfunctional protein product. This variant is rare in the general population with a frequency below the threshold expected for the associated phenotype(s). Given the available evidence, this variant is classified as Likely Pathogenic.